The following is an entry in ClinVar:

NM_005751.5(AKAP9):c.4339-41T>G

Gene: AKAP9 (A-kinase anchoring protein 9; plus strand). Cytogenetic location: 7q21.2.
Variant type: single nucleotide variant.
Coding change: c.4339-41T>G on transcript NM_005751.5 (MANE Select); 41 bases into the intron before coding-DNA position 4339, T replaced by G.
Molecular consequence: intron variant.
Genome position (GRCh38, 1-based): chr7:92,038,378, T>G. VCF-style: chr7-92038378-T-G. GRCh37 (hg19) VCF-style: chr7-91667692-T-G.
Other names: c.4339-41T>G (NM_147185.3).
Identifiers: ClinVar variation 671869 (VCV000671869.3), dbSNP rs2285333, ClinGen allele CA4336558.

ClinVar aggregate classification (germline): Benign. Review status: criteria provided, multiple submitters, no conflicts (2 of 4 stars). 3 submissions from 3 submitters: Benign (3). Last evaluated 2021-12-05.

Conditions:
Long QT syndrome 11 (LQT11). Identifiers: Orphanet 101016, Orphanet 768, MedGen C2678483, MONDO:0012738, OMIM 611820.

Allele frequency attached by ClinVar (database versions not stated): 1000 Genomes Project 0.35962; 1000 Genomes Project 30x 0.36243; gnomAD exomes 0.37742; ExAC 0.39143; gnomAD 0.40122 and 0.40444; TOPMed 0.40172; ESP Exome Variant Server 0.42413.
gnomAD v4.1: 579,300 of 1,498,130 alleles (39%); highest among the groups gnomAD compares: African/African-American, 47%; 114,228 homozygotes.

Submissions (3):

Genome-Nilou Lab
Classification: Benign for Long QT syndrome 11. Last evaluated: 2021-12-05. Review status: criteria provided, single submitter. Criteria: ACMG Guidelines, 2015. Collection method: clinical testing. Allele origin: germline. Affected: no.

GeneDx
Classification: Benign. Last evaluated: 2018-06-14. Review status: criteria provided, single submitter. Criteria: GeneDx Variant Classification (06012015). Collection method: clinical testing. Allele origin: germline. Affected: yes.
Comment: This variant is considered likely benign or benign based on one or more of the following criteria: it is a conservative change, it occurs at a poorly conserved position in the protein, it is predicted to be benign by multiple in silico algorithms, and/or has population frequency not consistent with disease.

Breakthrough Genomics
Classification: Benign. Review status: criteria provided, single submitter. Criteria: ACMG Guidelines, 2015. Collection method: not provided. Allele origin: germline. Inheritance: Autosomal dominant inheritance. Affected: yes.